The following is an entry in ClinVar:

NM_001378609.3(OTOGL):c.6563A>G (p.Lys2188Arg)

Gene: OTOGL (otogelin like; plus strand). Cytogenetic location: 12q21.31.
Variant type: single nucleotide variant.
Coding change: c.6563A>G on transcript NM_001378609.3 (MANE Select); coding-DNA position 6563, A replaced by G.
Protein change: p.Lys2188Arg; replaces lysine 2188 with arginine.
Molecular consequence: missense variant.
Genome position (GRCh38, 1-based): chr12:80,368,257, A>G. VCF-style: chr12-80368257-A-G. GRCh37 (hg19) VCF-style: chr12-80762037-A-G.
Other names: c.6428A>G, p.Lys2143Arg (NM_001368062.3); c.6563A>G, p.Lys2188Arg (NM_001378610.3, NM_173591.7); short protein forms K2143R, K2188R.
Identifiers: ClinVar variation 4714587 (VCV004714587.1).

ClinVar aggregate classification (germline): Uncertain significance (1 of 4 stars; one submission).

Submission:

Labcorp Genetics (formerly Invitae), Labcorp
Classification: Uncertain significance. Last evaluated: 2025-03-06. Review status: criteria provided, single submitter. Criteria: Invitae Variant Classification Sherloc (09022015). Collection method: clinical testing. Allele origin: germline.
Comment: This sequence change replaces lysine, which is basic and polar, with arginine, which is basic and polar, at codon 2179 of the OTOGL protein (p.Lys2179Arg). The frequency data for this variant in the population databases is considered unreliable, as metrics indicate poor data quality at this position in the gnomAD database. This variant has not been reported in the literature in individuals affected with OTOGL-related conditions. An algorithm developed to predict the effect of missense changes on protein structure and function outputs the following: PolyPhen-2: "Benign". The arginine amino acid residue is found in multiple mammalian species, which suggests that this missense change does not adversely affect protein function. In summary, the available evidence is currently insufficient to determine the role of this variant in disease. Therefore, it has been classified as a Variant of Uncertain Significance.